The following is an entry in ClinVar:

ClinVar aggregate classification (germline): Uncertain significance (1 of 4 stars; one submission).

Conditions:
POLD1-related polyposis and colorectal cancer syndrome (CRCS10). Also called: Colorectal cancer 10; COLORECTAL CANCER, SUSCEPTIBILITY TO, ON CHROMOSOME 19q; Colorectal cancer, susceptibility to, 10. Identifiers: Orphanet 220460, MedGen C2675481, MONDO:0012953, OMIM 612591.

Allele frequency attached by ClinVar (database versions not stated): gnomAD exomes below 0.00001.
gnomAD v4.1: 1 of 1,609,600 alleles (0.000062%); highest among the groups gnomAD compares: Non-Finnish European, 0.000085%; no homozygotes.

Submission:

Labcorp Genetics (formerly Invitae), Labcorp
Classification: Uncertain significance for POLD1-related polyposis and colorectal cancer syndrome. Last evaluated: 2025-11-05. Review status: criteria provided, single submitter. Criteria: Invitae Variant Classification Sherloc (09022015). Collection method: clinical testing. Allele origin: germline.
Comment: This sequence change falls in intron 21 of the POLD1 gene. It does not directly change the encoded amino acid sequence of the POLD1 protein. It affects a nucleotide within the consensus splice site. This variant is not present in population databases (gnomAD no frequency). This variant has not been reported in the literature in individuals affected with POLD1-related conditions. ClinVar contains an entry for this variant (Variation ID: 1463721). Variants that disrupt the consensus splice site are a relatively common cause of aberrant splicing (PMID: 17576681, 9536098). Algorithms developed to predict the effect of sequence changes on RNA splicing suggest that this variant is not likely to affect RNA splicing. In summary, the available evidence is currently insufficient to determine the role of this variant in disease. Therefore, it has been classified as a Variant of Uncertain Significance.

Literature cited by the submitters: PubMed 17576681; PubMed 9536098.

NM_002691.4(POLD1):c.2717+3C>A

Gene: POLD1 (DNA polymerase delta 1, catalytic subunit; plus strand). Cytogenetic location: 19q13.33.
Variant type: single nucleotide variant.
Coding change: c.2717+3C>A on transcript NM_002691.4 (MANE Select); 3 bases into the intron after coding-DNA position 2717, C replaced by A.
Molecular consequence: intron variant.
Genome position (GRCh38, 1-based): chr19:50,415,593, C>A. VCF-style: chr19-50415593-C-A. GRCh37 (hg19) VCF-style: chr19-50918850-C-A.
Other names: c.2717+3C>A (NM_001256849.1); c.2795+3C>A (NM_001308632.1).
Identifiers: ClinVar variation 1463721 (VCV001463721.6), dbSNP rs2039251787, ClinGen allele CA2573156742.